The following is an entry in ClinVar:

NM_015267.4(CUX2):c.2987A>G (p.Lys996Arg)

Gene: CUX2 (cut like homeobox 2; plus strand). Cytogenetic location: 12q24.12.
Variant type: single nucleotide variant.
Coding change: c.2987A>G on transcript NM_015267.4 (MANE Select); coding-DNA position 2987, A replaced by G.
Protein change: p.Lys996Arg; replaces lysine 996 with arginine.
Molecular consequence: missense variant.
Genome position (GRCh38, 1-based): chr12:111,334,501, A>G. VCF-style: chr12-111334501-A-G. GRCh37 (hg19) VCF-style: chr12-111772305-A-G.
Other names: c.2801A>G, p.Lys934Arg (NM_001370598.1); short protein forms K934R, K996R.
Identifiers: ClinVar variation 4851909 (VCV004851909.2).

ClinVar aggregate classification (germline): Conflicting classifications of pathogenicity. Review status: criteria provided, conflicting classifications (1 of 4 stars). 2 submissions from 2 submitters: Uncertain significance (1); Likely benign (1). Last evaluated 2026-01-09.

gnomAD v4.1: 16 of 1,613,610 alleles (0.00099%); highest among the groups gnomAD compares: Admixed American, 0.0017%; no homozygotes.

Submissions (2):

Dasa
Classification: Uncertain significance. Last evaluated: 2026-01-09. Review status: criteria provided, single submitter. Criteria: DASA Assertion Criteria. Collection method: clinical testing. Allele origin: germline.
Comment: NM_015267.4(CUX2):c.2987A>G (p.Lys996Arg) is a missense variant that results in the substitution of lysine with arginine. Multiple computational predictions support a deleterious effect on the gene or gene product. The variant is present at low frequency in population datasets. Based on the available data, this variant is classified as variant of uncertain significance.

Blueprint Genetics
Classification: Likely benign. Last evaluated: 2023-09-21. Review status: criteria provided, single submitter. Criteria: ACMG Guidelines, 2015. Collection method: clinical testing. Allele origin: germline.